The following is an entry in ClinVar:

NM_001083961.2(WDR62):c.2146+2dup

Gene: WDR62 (WD repeat domain 62; plus strand). Cytogenetic location: 19q13.12.
Variant type: Duplication.
Coding change: c.2146+2dup on transcript NM_001083961.2 (MANE Select); the canonical splice donor site of the intron after coding-DNA position 2146, one base duplicated (T; older notation c.2146+2dupT).
Molecular consequence: splice donor variant.
Genome position (GRCh38, 1-based): chr19:36,091,313, T duplicated. VCF-style (leftmost placement, unchanged base first): chr19-36091312-G-GT. GRCh37 (hg19) VCF-style: chr19-36582214-G-GT.
Other names: c.2146+2dup (NM_173636.5, NM_001411146.1); c.2131+2dup (NM_001411145.1); c.1795+2dup (NM_001411147.1).
Identifiers: ClinVar variation 3343552 (VCV003343552.1).

ClinVar aggregate classification (germline): Uncertain significance (1 of 4 stars; one submission).

Submission:

GeneDx
Classification: Uncertain significance. Last evaluated: 2023-05-31. Review status: criteria provided, single submitter. Criteria: GeneDx Variant Classification Process June 2021. Collection method: clinical testing. Allele origin: germline. Affected: yes.
Comment: Not observed at significant frequency in large population cohorts (gnomAD); In silico analysis supports that this variant does not alter splicing; Has not been previously published as pathogenic or benign to our knowledge